The following is an entry in ClinVar:

ClinVar aggregate classification (germline): Uncertain significance (1 of 4 stars; one submission).

Submission:

Ambry Genetics
Classification: Uncertain significance. Last evaluated: 2024-02-10. Review status: criteria provided, single submitter. Criteria: Ambry Variant Classification Scheme 2023. Collection method: clinical testing. Allele origin: germline.
Comment: The p.K1021T variant (also known as c.3062A>C), located in coding exon 4 of the ALPK2 gene, results from an A to C substitution at nucleotide position 3062. The lysine at codon 1021 is replaced by threonine, an amino acid with similar properties. This amino acid position is conserved. In addition, this alteration is predicted to be tolerated by in silico analysis. Based on the available evidence, the clinical significance of this alteration remains unclear.

NM_052947.4(ALPK2):c.3062A>C (p.Lys1021Thr)

Gene: ALPK2 (alpha kinase 2; minus strand). Cytogenetic location: 18q21.31.
Variant type: single nucleotide variant.
Coding change: c.3062A>C on transcript NM_052947.4 (MANE Select); coding-DNA position 3062, A replaced by C.
Protein change: p.Lys1021Thr; replaces lysine 1021 with threonine.
Molecular consequence: missense variant.
Genome position (GRCh38, 1-based): chr18:58,537,125, T>G on the plus strand (A>C on the coding strand, the complement: ALPK2 is on the minus strand). VCF-style: chr18-58537125-T-G. GRCh37 (hg19) VCF-style: chr18-56204357-T-G.
Other names: short protein forms K1021T.
Identifiers: ClinVar variation 3228668 (VCV003228668.1), dbSNP rs2518876941, ClinGen allele CA402569188.